The following is an entry in ClinVar:

ClinVar aggregate classification (germline): Benign. Review status: criteria provided, multiple submitters, no conflicts (2 of 4 stars). 7 submissions from 7 submitters: Benign (7). Last evaluated 2026-02-03.

Conditions:
Autosomal recessive nonsyndromic hearing loss 49. Also called: Deafness, neurosensory, autosomal recessive 49. Identifiers: Orphanet 90636, MedGen C1857811, MONDO:0012420, OMIM 610153.

Allele frequency attached by ClinVar (database versions not stated): 1000 Genomes Project 0.28175; TOPMed 0.33174; ESP Exome Variant Server 0.34236; 1000 Genomes Project 30x 0.27545.
gnomAD v4.1: 673,974 of 1,588,768 alleles (42%); highest among the groups gnomAD compares: Non-Finnish European, 47%; 150,646 homozygotes.

Submissions (10):

Labcorp Genetics (formerly Invitae), Labcorp
Classification: Benign. Last evaluated: 2026-02-03. Review status: criteria provided, single submitter. Criteria: Invitae Variant Classification Sherloc (09022015). Collection method: clinical testing. Allele origin: germline.

Mayo Clinic Laboratories, Mayo Clinic
Classification: Benign. Last evaluated: 2020-08-13. Review status: criteria provided, single submitter. Criteria: ACMG Guidelines, 2015. Collection method: clinical testing. Allele origin: germline. Observed: 94 variant alleles.

Illumina Laboratory Services, Illumina
Classification: Benign for Autosomal recessive nonsyndromic hearing loss 49. Last evaluated: 2018-01-12. Review status: criteria provided, single submitter. Criteria: ICSL Variant Classification Criteria 13 December 2019. Collection method: clinical testing. Allele origin: germline.
Comment: This variant was observed in the ICSL laboratory as part of a predisposition screen in an ostensibly healthy population. It had not been previously curated by ICSL or reported in the Human Gene Mutation Database (HGMD: prior to June 1st, 2018), and was therefore a candidate for classification through an automated scoring system. Utilizing variant allele frequency, disease prevalence and penetrance estimates, and inheritance mode, an automated score was calculated to assess if this variant is too frequent to cause the disease. Based on the score and internal cut-off values, a variant classified as benign is not then subjected to further curation. The score for this variant resulted in a classification of benign for this disease.

GeneDx
Classification: Benign. Last evaluated: 2017-05-09. Review status: criteria provided, single submitter. Criteria: GeneDx Variant Classification (06012015). Collection method: clinical testing. Allele origin: germline. Affected: yes.
Comment: This variant is considered likely benign or benign based on one or more of the following criteria: it is a conservative change, it occurs at a poorly conserved position in the protein, it is predicted to be benign by multiple in silico algorithms, and/or has population frequency not consistent with disease.

Laboratory for Molecular Medicine, Mass General Brigham Personalized Medicine
Classification: Benign. Last evaluated: 2012-05-07. Review status: criteria provided, single submitter. Criteria: LMM Criteria. Collection method: clinical testing. Allele origin: germline. Observed: 908 variant alleles.
Comment: 1147-9T>G in Intron 02 of MARVELD2: This variant is not expected to have clinica l significance because it has been identified in 45.6% (3203/7020) of European A merican chromosomes from a broad population by the NHLBI Exome Sequencing Projec t (dbSNP rs299099).

Breakthrough Genomics
Classification: Benign. Review status: criteria provided, single submitter. Criteria: ACMG Guidelines, 2015. Collection method: not provided. Allele origin: germline. Inheritance: Autosomal recessive inheritance. Affected: yes.

PreventionGenetics, part of Exact Sciences
Classification: Benign. Review status: criteria provided, single submitter. Criteria: ACMG Guidelines, 2015. Collection method: clinical testing. Allele origin: germline.

Dr. Peter K. Rogan Lab, Western University
No classification provided (evidence only). Condition: Familial cancer of breast. Review status: no classification provided. Collection method: in vitro. Allele origin: not applicable. Functional consequence: retained intron. Not counted in ClinVar's aggregate classification.

Dr. Peter K. Rogan Lab, Western University
No classification provided (evidence only). Condition: Familial cancer of breast. Review status: no classification provided. Collection method: in vitro. Allele origin: not applicable. Functional consequence: skipped exon. Not counted in ClinVar's aggregate classification.

Dr. Peter K. Rogan Lab, Western University
No classification provided (evidence only). Condition: Hepatocellular carcinoma. Review status: no classification provided. Collection method: in vitro. Allele origin: not applicable. Functional consequence: retained intron. Not counted in ClinVar's aggregate classification.

NM_001038603.3(MARVELD2):c.1147-9T>G

Gene: MARVELD2 (MARVEL domain containing 2; plus strand). Cytogenetic location: 5q13.2.
Variant type: single nucleotide variant.
Coding change: c.1147-9T>G on transcript NM_001038603.3 (MANE Select); 9 bases into the intron before coding-DNA position 1147, T replaced by G.
Molecular consequence: intron variant.
Genome position (GRCh38, 1-based): chr5:69,424,592, T>G. VCF-style: chr5-69424592-T-G. GRCh37 (hg19) VCF-style: chr5-68720419-T-G.
Other names: p.?; c.1146+4061T>G (NM_001244734.2).
Identifiers: ClinVar variation 43843 (VCV000043843.19), dbSNP rs299099, ClinGen allele CA133012.